The following is an entry in ClinVar:

NM_001042492.3(NF1):c.3318C>G (p.Tyr1106Ter)

Gene: NF1 (neurofibromin 1; plus strand). Cytogenetic location: 17q11.2.
Variant type: single nucleotide variant.
Coding change: c.3318C>G on transcript NM_001042492.3 (MANE Select); coding-DNA position 3318, C replaced by G.
Protein change: p.Tyr1106Ter; replaces tyrosine 1106 with a stop codon.
Molecular consequence: nonsense.
Genome position (GRCh38, 1-based): chr17:31,232,703, C>G. VCF-style: chr17-31232703-C-G. GRCh37 (hg19) VCF-style: chr17-29559721-C-G.
Other names: c.3318C>G, p.Tyr1106Ter (NM_000267.4); short protein forms Y1106*.
Identifiers: ClinVar variation 1427947 (VCV001427947.10), dbSNP rs876659289, ClinGen allele CA398988966.

ClinVar aggregate classification (germline): Pathogenic. Review status: criteria provided, multiple submitters, no conflicts (2 of 4 stars). 3 submissions from 3 submitters: Pathogenic (3). Last evaluated 2024-09-06.

Conditions:
Neurofibromatosis, type 1 (NF1). Also called: VON RECKLINGHAUSEN DISEASE; NEUROFIBROMATOSIS, TYPE I, SOMATIC; Neurofibromatosis, type I; Peripheral type neurofibromatosis. Identifiers: Orphanet 636, MedGen C0027831, MONDO:0018975, OMIM 162200. Disease mechanism: loss of function.

Submissions (3):

GeneDx
Classification: Pathogenic. Last evaluated: 2024-09-06. Review status: criteria provided, single submitter. Criteria: GeneDx Variant Classification Process June 2021. Collection method: clinical testing. Allele origin: germline. Affected: yes.
Comment: Nonsense variant predicted to result in protein truncation or nonsense mediated decay in a gene for which loss of function is a known mechanism of disease; Not observed at significant frequency in large population cohorts (gnomAD); This variant is associated with the following publications: (PMID: Han2024[article], 22190595, 27838393, 23404336)

Athena Diagnostics
Classification: Pathogenic. Last evaluated: 2024-01-16. Review status: criteria provided, single submitter. Criteria: Athena Diagnostics Criteria. Collection method: clinical testing. Allele origin: unknown.
Comment: This variant is expected to result in the loss of a functional protein. This variant has been identified in at least one individual with clinical features associated with neurofibromatosis type 1 (NF1). This variant has not been reported in large, multi-ethnic general populations.

Labcorp Genetics (formerly Invitae), Labcorp
Classification: Pathogenic for Neurofibromatosis, type 1. Last evaluated: 2021-03-29. Review status: criteria provided, single submitter. Criteria: Invitae Variant Classification Sherloc (09022015). Collection method: clinical testing. Allele origin: germline.
Comment: Algorithms developed to predict the effect of sequence changes on RNA splicing suggest that this variant may create or strengthen a splice site, but this prediction has not been confirmed by published transcriptional studies. For these reasons, this variant has been classified as Pathogenic. This variant has been observed in individual(s) with neurofibromatosis type 1 (PMID: 22190595, 27838393). This variant is not present in population databases (ExAC no frequency). This sequence change creates a premature translational stop signal (p.Tyr1106*) in the NF1 gene. It is expected to result in an absent or disrupted protein product. Loss-of-function variants in NF1 are known to be pathogenic (PMID: 10712197, 23913538).

Literature cited by the submitters: PubMed 27838393 (cited by Athena Diagnostics and Labcorp Genetics (formerly Invitae), Labcorp); PubMed 22190595 (cited by Athena Diagnostics and Labcorp Genetics (formerly Invitae), Labcorp); PubMed 10712197 (cited by Labcorp Genetics (formerly Invitae), Labcorp); PubMed 23913538 (cited by Labcorp Genetics (formerly Invitae), Labcorp).